The following is an entry in ClinVar:

ClinVar aggregate classification (germline): Pathogenic. Review status: criteria provided, multiple submitters, no conflicts (2 of 4 stars). 2 submissions from 2 submitters: Pathogenic (2). Last evaluated 2022-09-13.

Conditions:
Early-infantile DEE. Also called: Early infantile epileptic encephalopathy; Ohtahara syndrome; Early infantile epileptic encephalopathy with suppression bursts. Identifiers: Orphanet 1934, MedGen C0393706, MONDO:0800491.
Severe myoclonic epilepsy in infancy (DRVT). Also called: Epileptic encephalopathy, early infantile, 6 (Dravet syndrome); SEVERE MYOCLONIC EPILEPSY OF INFANCY; DEVELOPMENTAL AND EPILEPTIC ENCEPHALOPATHY 6A; Severe Myoclonic Epilepsy in Infancy (SMEI); Dravet syndrome. Identifiers: Orphanet 33069, MedGen C0751122, MONDO:0100135, OMIM 607208.

Submissions (2):

Labcorp Genetics (formerly Invitae), Labcorp
Classification: Pathogenic for Early-infantile DEE. Last evaluated: 2022-09-13. Review status: criteria provided, single submitter. Criteria: Invitae Variant Classification Sherloc (09022015). Collection method: clinical testing. Allele origin: germline.
Comment: This sequence change replaces cysteine, which is neutral and slightly polar, with arginine, which is basic and polar, at codon 345 of the SCN1A protein (p.Cys345Arg). This variant is not present in population databases (gnomAD no frequency). This missense change has been observed in individual(s) with Dravet syndrome (PMID: 18930999). In at least one individual the variant was observed to be de novo. ClinVar contains an entry for this variant (Variation ID: 189945). Advanced modeling of protein sequence and biophysical properties (such as structural, functional, and spatial information, amino acid conservation, physicochemical variation, residue mobility, and thermodynamic stability) performed at Invitae indicates that this missense variant is expected to disrupt SCN1A protein function. For these reasons, this variant has been classified as Pathogenic.

Center for Bioinformatics, Peking University
Classification: Pathogenic for Dravet syndrome. Last evaluated: 2014-12-20. Review status: criteria provided, single submitter. Criteria: Xu et al. (Hum Mutat. 2015). Collection method: research. Allele origin: de novo. Affected: yes. Observed: 1 variant allele. Study: University Clinical Cooperation “985 Project” PKU-2014-1-1.
Comment: Dravet syndrome (DS) probands were recruited from the outpatient and inpatient child neurology units of Peking University First Hospital from 2005 till present. The study was approved by the Ethics Committee of Peking University First Hospital and the Institutional Review Board at Peking University. Participants or their parents provided written informed consent before enrollment. We collected a total of 267 mutations from 255 families with probands diagnosed with DS in China. All probands fulfilled the clinical diagnostic criteria.

Literature cited by the submitters: PubMed 18930999 (cited by Labcorp Genetics (formerly Invitae), Labcorp).

NM_001165963.4(SCN1A):c.1033T>C (p.Cys345Arg)

Gene: SCN1A (sodium voltage-gated channel alpha subunit 1; minus strand). Cytogenetic location: 2q24.3.
Variant type: single nucleotide variant.
Coding change: c.1033T>C on transcript NM_001165963.4 (MANE Select); coding-DNA position 1033, T replaced by C.
Protein change: p.Cys345Arg; replaces cysteine 345 with arginine.
Molecular consequence: missense variant. On other transcripts: 5 prime UTR variant (1), non-coding transcript variant (1).
Genome position (GRCh38, 1-based): chr2:166,047,764, A>G on the plus strand (T>C on the coding strand, the complement: SCN1A is on the minus strand). VCF-style: chr2-166047764-A-G. GRCh37 (hg19) VCF-style: chr2-166904274-A-G.
Other names: c.1033T>C, p.Cys345Arg (NM_001165964.3, NM_001202435.3, NM_001353948.2 and 10 more transcripts); c.-1393T>C (NM_001353961.2); short protein forms C345R.
Identifiers: ClinVar variation 189945 (VCV000189945.6), dbSNP rs794726782, ClinGen allele CA303376.